The following is an entry in ClinVar:

NM_005045.4(RELN):c.8315A>T (p.Asn2772Ile)

Genes: RELN (reelin; minus strand), SLC26A5-AS1 (SLC26A5 antisense RNA 1; plus strand). Cytogenetic location: 7q22.1.
Variant type: single nucleotide variant.
Coding change: c.8315A>T on transcript NM_005045.4 (MANE Select); coding-DNA position 8315, A replaced by T.
Protein change: p.Asn2772Ile; replaces asparagine 2772 with isoleucine.
Molecular consequence: missense variant.
Genome position (GRCh38, 1-based): chr7:103,503,190, T>A on the plus strand (A>T on the coding strand, the complement: RELN is on the minus strand). VCF-style: chr7-103503190-T-A. GRCh37 (hg19) VCF-style: chr7-103143637-T-A.
Other names: c.8315A>T, p.Asn2772Ile (NM_173054.3); short protein forms N2772I.
Identifiers: ClinVar variation 2921471 (VCV002921471.3), dbSNP rs2484715155, ClinGen allele CA368757860.

ClinVar aggregate classification (germline): Uncertain significance (1 of 4 stars; one submission).

Conditions:
Norman-Roberts syndrome (LIS2). Also called: Lissencephaly 2 (Norman-Roberts type). Identifiers: Orphanet 89844, MedGen C0796089, MONDO:0009760, OMIM 257320.
Familial temporal lobe epilepsy 7. Identifiers: Orphanet 101046, MedGen C4225327, MONDO:0014639, OMIM 616436.

Submission:

Labcorp Genetics (formerly Invitae), Labcorp
Classification: Uncertain significance for Familial temporal lobe epilepsy 7; Norman-Roberts syndrome. Last evaluated: 2023-12-16. Review status: criteria provided, single submitter. Criteria: Invitae Variant Classification Sherloc (09022015). Collection method: clinical testing. Allele origin: germline.
Comment: This sequence change replaces asparagine, which is neutral and polar, with isoleucine, which is neutral and non-polar, at codon 2772 of the RELN protein (p.Asn2772Ile). This variant is not present in population databases (gnomAD no frequency). This variant has not been reported in the literature in individuals affected with RELN-related conditions. Advanced modeling of protein sequence and biophysical properties (such as structural, functional, and spatial information, amino acid conservation, physicochemical variation, residue mobility, and thermodynamic stability) performed at Invitae indicates that this missense variant is not expected to disrupt RELN protein function with a negative predictive value of 80%. In summary, the available evidence is currently insufficient to determine the role of this variant in disease. Therefore, it has been classified as a Variant of Uncertain Significance.